The following is an entry in ClinVar:

ClinVar aggregate classification (germline): Uncertain significance. Review status: criteria provided, multiple submitters, no conflicts (2 of 4 stars). 2 submissions from 2 submitters: Uncertain significance (2). Last evaluated 2025-01-29.

Conditions:
Hereditary cancer-predisposing syndrome. Also called: Tumor predisposition; Hereditary neoplastic syndrome; Hereditary Cancer Syndrome; Neoplastic Syndromes, Hereditary. Identifiers: Orphanet 140162, MedGen C0027672, MeSH D009386, MONDO:0015356.
Gastrointestinal stromal tumor. Also called: Gastrointestinal stroma tumor; Gastrointestinal stromal tumor, somatic. Identifiers: Orphanet 44890, MedGen C0238198, MeSH D046152, MONDO:0011719, OMIM 606764, HP:0100723.

Allele frequency attached by ClinVar (database versions not stated): gnomAD exomes below 0.00001.
gnomAD v4.1: 2 of 1,613,928 alleles (0.00012%); highest among the groups gnomAD compares: South Asian, 0.0011%; no homozygotes.

Submissions (2):

Labcorp Genetics (formerly Invitae), Labcorp
Classification: Uncertain significance for Gastrointestinal stromal tumor. Last evaluated: 2025-01-29. Review status: criteria provided, single submitter. Criteria: Invitae Variant Classification Sherloc (09022015). Collection method: clinical testing. Allele origin: germline.
Comment: This sequence change replaces valine, which is neutral and non-polar, with isoleucine, which is neutral and non-polar, at codon 921 of the KIT protein (p.Val921Ile). This variant is not present in population databases (gnomAD no frequency). This variant has not been reported in the literature in individuals affected with KIT-related conditions. ClinVar contains an entry for this variant (Variation ID: 528605). An algorithm developed to predict the effect of missense changes on protein structure and function (PolyPhen-2) suggests that this variant is likely to be disruptive. In summary, the available evidence is currently insufficient to determine the role of this variant in disease. Therefore, it has been classified as a Variant of Uncertain Significance.

Ambry Genetics
Classification: Uncertain significance for Hereditary cancer-predisposing syndrome. Last evaluated: 2024-01-12. Review status: criteria provided, single submitter. Criteria: Ambry Variant Classification Scheme 2023. Collection method: clinical testing. Allele origin: germline.
Comment: The p.V921I variant (also known as c.2761G>A), located in coding exon 20 of the KIT gene, results from a G to A substitution at nucleotide position 2761. The valine at codon 921 is replaced by isoleucine, an amino acid with highly similar properties. This amino acid position is conserved. In addition, the in silico prediction for this alteration is inconclusive. Since supporting evidence is limited at this time, the clinical significance of this alteration remains unclear.

NM_000222.3(KIT):c.2761G>A (p.Val921Ile)

Gene: KIT (KIT proto-oncogene, receptor tyrosine kinase; plus strand). Cytogenetic location: 4q12.
Variant type: single nucleotide variant.
Coding change: c.2761G>A on transcript NM_000222.3 (MANE Select); coding-DNA position 2761, G replaced by A.
Protein change: p.Val921Ile; replaces valine 921 with isoleucine.
Molecular consequence: missense variant.
Genome position (GRCh38, 1-based): chr4:54,737,239, G>A. VCF-style: chr4-54737239-G-A. GRCh37 (hg19) VCF-style: chr4-55603405-G-A.
Other names: c.2749G>A, p.Val917Ile (NM_001093772.2, NM_001385292.1); c.2764G>A, p.Val922Ile (NM_001385284.1); c.2758G>A, p.Val920Ile (NM_001385285.1); c.2746G>A, p.Val916Ile (NM_001385286.1); c.2752G>A, p.Val918Ile (NM_001385288.1); c.2761G>A, p.Val921Ile (NM_001385290.1); short protein forms V921I, V917I, V916I, V918I, V920I, V922I.
Identifiers: ClinVar variation 528605 (VCV000528605.12), dbSNP rs1553893587, ClinGen allele CA356914454.